The following is an entry in ClinVar:

ClinVar aggregate classification (germline): Uncertain significance (1 of 4 stars; one submission).

Submission:

GeneDx
Classification: Uncertain significance. Last evaluated: 2024-08-30. Review status: criteria provided, single submitter. Criteria: GeneDx Variant Classification Process June 2021. Collection method: clinical testing. Allele origin: germline. Affected: yes.
Comment: Not observed at significant frequency in large population cohorts (gnomAD); In silico analysis supports that this missense variant has a deleterious effect on protein structure/function; Has not been previously published as pathogenic or benign to our knowledge

NM_001256012.3(MYH10):c.1436A>C (p.Asn479Thr)

Gene: MYH10 (myosin heavy chain 10; minus strand). Cytogenetic location: 17p13.1.
Variant type: single nucleotide variant.
Coding change: c.1436A>C on transcript NM_001256012.3 (MANE Select); coding-DNA position 1436, A replaced by C.
Protein change: p.Asn479Thr; replaces asparagine 479 with threonine.
Molecular consequence: missense variant.
Genome position (GRCh38, 1-based): chr17:8,542,276, T>G on the plus strand (A>C on the coding strand, the complement: MYH10 is on the minus strand). VCF-style: chr17-8542276-T-G. GRCh37 (hg19) VCF-style: chr17-8445594-T-G.
Other names: c.1433A>C, p.Asn478Thr (NM_001256095.2); c.1436A>C, p.Asn479Thr (NM_001375266.1); c.1406A>C, p.Asn469Thr (NM_005964.5); short protein forms N469T, N478T, N479T.
Identifiers: ClinVar variation 3766406 (VCV003766406.1).